The following is an entry in ClinVar:

ClinVar aggregate classification (germline): Pathogenic/Likely pathogenic. Review status: criteria provided, multiple submitters, no conflicts (2 of 4 stars). 3 submissions from 3 submitters: Pathogenic (1); Likely pathogenic (2). Last evaluated 2025-05-18.

Conditions:
Mild Canavan disease. Identifiers: Orphanet 314918, MedGen C4017127, MONDO:0017831.
Spongy degeneration of central nervous system. Also called: ACY2 DEFICIENCY; AMINOACYLASE 2 DEFICIENCY; ASP DEFICIENCY; ASPA DEFICIENCY; ASPARTOACYLASE DEFICIENCY; CANAVAN-VAN BOGAERT-BERTRAND DISEASE. Identifiers: Orphanet 141, MedGen C0206307, MONDO:0010079, OMIM 271900.

Submissions (3):

Natera, Inc.
Classification: Likely pathogenic for Canavan Disease. Last evaluated: 2025-05-18. Review status: criteria provided, single submitter. Criteria: Natera Variant Classification Schema (03/2026). Collection method: clinical testing. Allele origin: germline.
Comment: The c.526G>A variant in ASPA is a missense variant predicted to cause substitution of glycine to serine at amino acid 176. This variant is rare in the general population with a frequency below the threshold expected for the associated phenotype(s). This variant has been observed in one or more individuals affected with the associated recessive disease, as either homozygous or compound heterozygous with a second variant (PMID: 36202930). This variant has been identified in one or more affected individuals with a phenotype highly consistent with the associated gene (PMID: 36202930). Computational prediction algorithms indicate this variant is likely to affect gene or protein function. Given the available evidence, this variant is classified as Likely Pathogenic.

Labcorp Genetics (formerly Invitae), Labcorp
Classification: Likely pathogenic for Spongy degeneration of central nervous system. Last evaluated: 2024-12-05. Review status: criteria provided, single submitter. Criteria: Invitae Variant Classification Sherloc (09022015). Collection method: clinical testing. Allele origin: germline.
Comment: This sequence change replaces glycine, which is neutral and non-polar, with serine, which is neutral and polar, at codon 176 of the ASPA protein (p.Gly176Ser). This variant also falls at the last nucleotide of exon 3, which is part of the consensus splice site for this exon. This variant is not present in population databases (gnomAD no frequency). This missense change has been observed in individual(s) with clinical features of ASPA-related conditions (PMID: 36202930). ClinVar contains an entry for this variant (Variation ID: 1700565). An algorithm developed to predict the effect of missense changes on protein structure and function (PolyPhen-2) suggests that this variant is likely to be disruptive. Variants that disrupt the consensus splice site are a relatively common cause of aberrant splicing (PMID: 17576681, 9536098). Algorithms developed to predict the effect of sequence changes on RNA splicing suggest that this variant may disrupt the consensus splice site. In summary, the currently available evidence indicates that the variant is pathogenic, but additional data are needed to prove that conclusively. Therefore, this variant has been classified as Likely Pathogenic.

Clinical Genetics Laboratory, Christian Medical College, Vellore
Classification: Pathogenic for Mild Canavan disease. Last evaluated: 2022-08-08. Review status: criteria provided, single submitter. Criteria: ACMG Guidelines, 2015. Collection method: clinical testing. Allele origin: germline. Inheritance: Autosomal recessive inheritance. Affected: yes. Observed: 2 variant alleles, 2 homozygotes.
Comment: The missense variant NM_000049.4(ASPA):c.526G>A (p.Gly176Ser) has not been reported previously as a pathogenic variant nor as a benign variant, to our knowledge. The p.Gly176Ser variant is novel in gnomAD as well as in 1000Genomes. The variant is predicted to be damaging by both SIFT and PolyPhen2. The nucleotide c.526 is predicted to be highly conserved by GERP++ and PhyloP across 100 vertebrates. MaxEntScan and NNSplice revealed a splicing defect. varSEAK splice tool predicted the replacement of the consensus splice donor site by the activation of a cryptic splice donor site 4 bp upstream (new position; c.523G). The variant segregated in a Mendelian recessive fashion among the affected and unaffected family members. cDNA sequencing of the proband revealed possible presence of 2 transcripts. One transcript with the activation of the upstream cryptic splice site GT (at position c.523_524) as predicted along with splicing of the 4th exon. This would result in a premature termination at codon 176 (p.Gly176Ter) and theoretically many more premature termination codons further downstream. Such an mRNA is expected to undergo nonsense mediated decay (NMD) as the variant is 223 bp upstream of the last exon-junction complex (EJC). Second transcript with the retaining of canonical splice site (escaping the splicing aberration) resulting in a complete transcript. Probably this results in a normal length protein harboring the missense change p.Gly176Ser. Collating all evidences, this variant was considered pathogenic.

Literature cited by the submitters: PubMed 36202930 (cited by Natera, Inc. and Labcorp Genetics (formerly Invitae), Labcorp); PubMed 17576681 (cited by Labcorp Genetics (formerly Invitae), Labcorp); PubMed 9536098 (cited by Labcorp Genetics (formerly Invitae), Labcorp).

NM_000049.4(ASPA):c.526G>A (p.Gly176Ser)

Genes: ASPA (aspartoacylase; plus strand), SPATA22 (spermatogenesis associated 22; minus strand). Cytogenetic location: 17p13.2.
Variant type: single nucleotide variant.
Coding change: c.526G>A on transcript NM_000049.4 (MANE Select); coding-DNA position 526, G replaced by A.
Protein change: p.Gly176Ser; replaces glycine 176 with serine.
Molecular consequence: missense variant. On other transcripts: intron variant (2).
Genome position (GRCh38, 1-based): chr17:3,483,592, G>A. VCF-style: chr17-3483592-G-A. GRCh37 (hg19) VCF-style: chr17-3386886-G-A.
Other names: c.526G>A, p.Gly176Ser (NM_001128085.1); c.-73-14194C>T (NM_001321336.2, NM_001321337.2); short protein forms G176S.
Identifiers: ClinVar variation 1700565 (VCV001700565.5), dbSNP rs2150748728, ClinGen allele CA397682871.